The following is an entry in ClinVar:

ClinVar aggregate classification (germline): Uncertain significance (1 of 4 stars; one submission).

Submission:

GeneDx
Classification: Uncertain significance. Last evaluated: 2026-03-31. Review status: criteria provided, single submitter. Criteria: GeneDx Variant Classification Process June 2021. Collection method: clinical testing. Allele origin: germline.
Comment: Not observed at significant frequency in large population cohorts (gnomAD); In silico analysis supports that this missense variant has a deleterious effect on protein structure/function; Has not been previously published as pathogenic or benign to our knowledge

NM_004973.4(JARID2):c.2060C>G (p.Pro687Arg)

Gene: JARID2 (jumonji and AT-rich interaction domain containing 2; plus strand). Cytogenetic location: 6p22.3.
Variant type: single nucleotide variant.
Coding change: c.2060C>G on transcript NM_004973.4 (MANE Select); coding-DNA position 2060, C replaced by G.
Protein change: p.Pro687Arg; replaces proline 687 with arginine.
Molecular consequence: missense variant.
Genome position (GRCh38, 1-based): chr6:15,501,021, C>G. VCF-style: chr6-15501021-C-G. GRCh37 (hg19) VCF-style: chr6-15501252-C-G.
Other names: c.1544C>G, p.Pro515Arg (NM_001267040.1); short protein forms P515R, P687R.
Identifiers: ClinVar variation 5018040 (VCV005018040.1).
Genomic context (GRCh38, chr6:15,501,021, plus strand): 5'-GCATGCAGCAAGTGACTGACCTCAAAAAATGGAACAAACTAGCAGACATGCTGCGCATCC[C>G]CAGAACTGCCCAGGACCGGCTGGCCAAGCTGCAGGAGGCCTACTGCCAGTACCTACTCTC-3'
Protein context (NP_004964.2, residues 677-697): WNKLADMLRI[Pro687Arg]RTAQDRLAKL